The following is an entry in ClinVar:

ClinVar aggregate classification (germline): Uncertain significance (1 of 4 stars; one submission).

gnomAD v4.1: 2 of 1,613,272 alleles (0.00012%); highest among the groups gnomAD compares: Non-Finnish European, 0.00017%; no homozygotes.

Submission:

GeneDx
Classification: Uncertain significance. Last evaluated: 2025-03-21. Review status: criteria provided, single submitter. Criteria: GeneDx Variant Classification Process June 2021. Collection method: clinical testing. Allele origin: germline. Affected: yes.
Comment: Not observed at significant frequency in large population cohorts (gnomAD); In silico analysis supports that this missense variant has a deleterious effect on protein structure/function; Has not been previously published as pathogenic or benign to our knowledge

NM_015557.3(CHD5):c.3532G>A (p.Gly1178Ser)

Gene: CHD5 (chromodomain helicase DNA binding protein 5; minus strand). Cytogenetic location: 1p36.31.
Variant type: single nucleotide variant.
Coding change: c.3532G>A on transcript NM_015557.3 (MANE Select); coding-DNA position 3532, G replaced by A.
Protein change: p.Gly1178Ser; replaces glycine 1178 with serine.
Molecular consequence: missense variant.
Genome position (GRCh38, 1-based): chr1:6,128,925, C>T on the plus strand (G>A on the coding strand, the complement: CHD5 is on the minus strand). VCF-style: chr1-6128925-C-T. GRCh37 (hg19) VCF-style: chr1-6188985-C-T.
Other names: short protein forms G1178S.
Identifiers: ClinVar variation 4086362 (VCV004086362.1).
Genomic context (GRCh38, chr1:6,128,925, plus strand): 5'-CCGTGCCGAACTTGAGGATGTCGTCCAGCTCCTGCTTGGTCATGGACCCCGACTTGGAGC[C>T]GAGGCCGGGCCGCACCACCAGGTGGGTGAGCATCATCTTGCGCTTGGCCACCTGCGTGAT-3'
Protein context (NP_056372.1, residues 1168-1188): LTHLVVRPGL[Gly1178Ser]SKSGSMTKQE